The following is an entry in ClinVar:

ClinVar aggregate classification (germline): Uncertain significance (1 of 4 stars; one submission).

Conditions:
Hereditary cancer-predisposing syndrome. Also called: Tumor predisposition; Neoplastic Syndromes, Hereditary; Hereditary Cancer Syndrome; Hereditary neoplastic syndrome. Identifiers: Orphanet 140162, MedGen C0027672, MeSH D009386, MONDO:0015356.

Submission:

Ambry Genetics
Classification: Uncertain significance for Hereditary cancer-predisposing syndrome. Last evaluated: 2025-01-01. Review status: criteria provided, single submitter. Criteria: Ambry Variant Classification Scheme 2023. Collection method: clinical testing. Allele origin: germline.
Comment: The p.T463A variant (also known as c.1387A>G), located in coding exon 9 of the PDGFRA gene, results from an A to G substitution at nucleotide position 1387. The threonine at codon 463 is replaced by alanine, an amino acid with similar properties. This amino acid position is conserved. In addition, this alteration is predicted to be tolerated by in silico analysis. Based on the available evidence, the clinical significance of this variant remains unclear.

NM_006206.6(PDGFRA):c.1387A>G (p.Thr463Ala)

Gene: PDGFRA (platelet derived growth factor receptor alpha; plus strand). Cytogenetic location: 4q12.
Variant type: single nucleotide variant.
Coding change: c.1387A>G on transcript NM_006206.6 (MANE Select); coding-DNA position 1387, A replaced by G.
Protein change: p.Thr463Ala; replaces threonine 463 with alanine.
Molecular consequence: missense variant.
Genome position (GRCh38, 1-based): chr4:54,273,559, A>G. VCF-style: chr4-54273559-A-G. GRCh37 (hg19) VCF-style: chr4-55139726-A-G.
Other names: c.1387A>G, p.Thr463Ala (NM_001347827.2, NM_001347829.2); c.1462A>G, p.Thr488Ala (NM_001347828.2); c.1426A>G, p.Thr476Ala (NM_001347830.2); short protein forms T488A, T463A, T476A.
Identifiers: ClinVar variation 3887348 (VCV003887348.1).